The following is an entry in ClinVar:

ClinVar aggregate classification (germline): Conflicting classifications of pathogenicity. Review status: criteria provided, conflicting classifications (1 of 4 stars). 2 submissions from 2 submitters: Likely pathogenic (1); Uncertain significance (1). Last evaluated 2024-09-24.

Conditions:
Familial thoracic aortic aneurysm and aortic dissection (TAAD). Also called: Thoracic aortic aneurysms and dissections. Identifiers: Orphanet 91387, MedGen C4707243, MONDO:0019625.
Marfan syndrome (MFS). Also called: Marfan syndrome, classic; Marfan syndrome type 1; Marfan's syndrome; FBN1-Related Marfan Syndrome; MARFAN SYNDROME, TYPE I. Identifiers: Orphanet 284963, Orphanet 558, MedGen C0024796, MONDO:0007947, OMIM 154700.

Submissions (2):

GeneDx
Classification: Likely pathogenic. Last evaluated: 2024-09-24. Review status: criteria provided, single submitter. Criteria: GeneDx Variant Classification Process June 2021. Collection method: clinical testing. Allele origin: germline. Affected: yes.
Comment: Has not been previously published as pathogenic or benign to our knowledge; Not observed at significant frequency in large population cohorts (gnomAD); Alters the last nucleotide of the exon and is predicted to destroy the splice donor site but the effect on protein function is unclear; This variant is associated with the following publications: (PMID: 20591885)

Labcorp Genetics (formerly Invitae), Labcorp
Classification: Uncertain significance for Marfan syndrome; Familial thoracic aortic aneurysm and aortic dissection. Last evaluated: 2019-10-04. Review status: criteria provided, single submitter. Criteria: Invitae Variant Classification Sherloc (09022015). Collection method: clinical testing. Allele origin: germline.
Comment: This sequence change replaces aspartic acid with tyrosine at codon 2607 of the FBN1 protein (p.Asp2607Tyr). The aspartic acid residue is highly conserved and there is a large physicochemical difference between aspartic acid and tyrosine. This variant also falls at the last nucleotide of exon 63 of the FBN1 coding sequence, which is part of the consensus splice site for this exon. This variant is not present in population databases (ExAC no frequency). Algorithms developed to predict the effect of missense changes on protein structure and function are either unavailable or do not agree on the potential impact of this missense change (SIFT: "Deleterious"; PolyPhen-2: "Possibly Damaging"; Align-GVGD: "Class C15"). Nucleotide substitutions within the consensus splice site are a relatively common cause of aberrant splicing (PMID: 17576681, 9536098). Algorithms developed to predict the effect of sequence changes on RNA splicing suggest that this variant may disrupt the consensus splice site, but this prediction has not been confirmed by published transcriptional studies. This variant disrupts the p.Asp2607 amino acid residue in FBN1. Other variant(s) that disrupt this residue have been observed in individuals with FBN1-related conditions (PMID: 20886638), which suggests that this may be a clinically significant amino acid residue. In summary, the available evidence is currently insufficient to determine the role of this variant in disease. Therefore, it has been classified as a Variant of Uncertain Significance.

Literature cited by the submitters: PubMed 17576681 (cited by Labcorp Genetics (formerly Invitae), Labcorp); PubMed 9536098 (cited by Labcorp Genetics (formerly Invitae), Labcorp); PubMed 20886638 (cited by Labcorp Genetics (formerly Invitae), Labcorp).

NM_000138.5(FBN1):c.7819G>T (p.Asp2607Tyr)

Gene: FBN1 (fibrillin 1; minus strand). Cytogenetic location: 15q21.1.
Variant type: single nucleotide variant.
Coding change: c.7819G>T on transcript NM_000138.5 (MANE Select); coding-DNA position 7819, G replaced by T.
Protein change: p.Asp2607Tyr; replaces aspartic acid 2607 with tyrosine.
Molecular consequence: missense variant.
Genome position (GRCh38, 1-based): chr15:48,420,687, C>A on the plus strand (G>T on the coding strand, the complement: FBN1 is on the minus strand). VCF-style: chr15-48420687-C-A. GRCh37 (hg19) VCF-style: chr15-48712884-C-A.
Other names: short protein forms D2607Y.
Identifiers: ClinVar variation 935557 (VCV000935557.10), dbSNP rs1597512576, ClinGen allele CA392324384.